The following is an entry in ClinVar:

NM_138387.4(G6PC3):c.19G>A (p.Ala7Thr)

Gene: G6PC3 (glucose-6-phosphatase catalytic subunit 3; plus strand). Cytogenetic location: 17q21.31.
Variant type: single nucleotide variant.
Coding change: c.19G>A on transcript NM_138387.4 (MANE Select); coding-DNA position 19, G replaced by A.
Protein change: p.Ala7Thr; replaces alanine 7 with threonine.
Molecular consequence: missense variant. On other transcripts: 5 prime UTR variant (3), intron variant (1).
Genome position (GRCh38, 1-based): chr17:44,070,984, G>A. VCF-style: chr17-44070984-G-A. GRCh37 (hg19) VCF-style: chr17-42148352-G-A.
Other names: c.19G>A, p.Ala7Thr (NM_001319945.2); c.-386G>A (NM_001384165.1); c.-521G>A (NM_001384166.1); c.-511G>A (NM_001384167.1); c.-312+270G>A (NM_001384168.1); short protein forms A7T.
Identifiers: ClinVar variation 3687929 (VCV003687929.2).

ClinVar aggregate classification (germline): Uncertain significance. Review status: criteria provided, multiple submitters, no conflicts (2 of 4 stars). 2 submissions from 2 submitters: Uncertain significance (2). Last evaluated 2024-12-23.

Conditions:
Autosomal recessive severe congenital neutropenia due to G6PC3 deficiency. Also called: NEUTROPENIA, SEVERE CONGENITAL, 4, AUTOSOMAL RECESSIVE; G6PC3 Deficiency. Identifiers: Orphanet 331176, MedGen C2751630, MONDO:0012930, OMIM 612541.
Inborn genetic diseases. Identifiers: MedGen C0950123, MeSH D030342.

Submissions (2):

Ambry Genetics
Classification: Uncertain significance for Inborn genetic diseases. Last evaluated: 2024-12-23. Review status: criteria provided, single submitter. Criteria: Ambry Variant Classification Scheme 2023. Collection method: clinical testing. Allele origin: germline.
Comment: The p.A7T variant (also known as c.19G>A), located in coding exon 1 of the G6PC3 gene, results from a G to A substitution at nucleotide position 19. The alanine at codon 7 is replaced by threonine, an amino acid with similar properties. This amino acid position is conserved. In addition, this alteration is predicted to be tolerated by in silico analysis. Based on the available evidence, the clinical significance of this variant remains unclear.

Labcorp Genetics (formerly Invitae), Labcorp
Classification: Uncertain significance for Autosomal recessive severe congenital neutropenia due to G6PC3 deficiency. Last evaluated: 2024-04-15. Review status: criteria provided, single submitter. Criteria: Invitae Variant Classification Sherloc (09022015). Collection method: clinical testing. Allele origin: germline.
Comment: This sequence change replaces alanine, which is neutral and non-polar, with threonine, which is neutral and polar, at codon 7 of the G6PC3 protein (p.Ala7Thr). This variant is not present in population databases (gnomAD no frequency). This variant has not been reported in the literature in individuals affected with G6PC3-related conditions. Advanced modeling of protein sequence and biophysical properties (such as structural, functional, and spatial information, amino acid conservation, physicochemical variation, residue mobility, and thermodynamic stability) performed at Invitae indicates that this missense variant is not expected to disrupt G6PC3 protein function with a negative predictive value of 80%. In summary, the available evidence is currently insufficient to determine the role of this variant in disease. Therefore, it has been classified as a Variant of Uncertain Significance.